The following is an entry in ClinVar:

NM_002454.3(MTRR):c.283+1G>A

Gene: MTRR (5-methyltetrahydrofolate-homocysteine methyltransferase reductase; plus strand). Cytogenetic location: 5p15.31.
Variant type: single nucleotide variant.
Coding change: c.283+1G>A on transcript NM_002454.3 (MANE Select); the canonical splice donor site of the intron after coding-DNA position 283, G replaced by A.
Molecular consequence: splice donor variant.
Genome position (GRCh38, 1-based): chr5:7,873,527, G>A. VCF-style: chr5-7873527-G-A. GRCh37 (hg19) VCF-style: chr5-7873640-G-A.
Other names: c.283+1G>A (NM_001364440.2, NM_001364441.2, NM_001364442.2 and 1 more transcripts).
Identifiers: ClinVar variation 2005065 (VCV002005065.4), dbSNP rs1748372023, ClinGen allele CA359156374.

ClinVar aggregate classification (germline): Likely pathogenic (1 of 4 stars; one submission).

Conditions:
Methylcobalamin deficiency type cblE (HMAE). Also called: HOMOCYSTINURIA-MEGALOBLASTIC ANEMIA, cblE COMPLEMENTATION TYPE; HOMOCYSTINURIA-MEGALOBLASTIC ANEMIA, cblE TYPE; VITAMIN B12-RESPONSIVE HOMOCYSTINURIA, cblE TYPE. Identifiers: Orphanet 2169, Orphanet 622, MedGen C1856057, MONDO:0009354, OMIM 236270.

Allele frequency attached by ClinVar (database versions not stated): gnomAD exomes below 0.00001.
gnomAD v4.1: 1 of 1,614,078 alleles (0.000062%); highest among the groups gnomAD compares: Non-Finnish European, 0.000085%; no homozygotes.

Submission:

Labcorp Genetics (formerly Invitae), Labcorp
Classification: Likely pathogenic for Methylcobalamin deficiency type cblE. Last evaluated: 2022-07-28. Review status: criteria provided, single submitter. Criteria: Invitae Variant Classification Sherloc (09022015). Collection method: clinical testing. Allele origin: germline.
Comment: This sequence change affects a donor splice site in intron 3 of the MTRR gene. It is expected to disrupt RNA splicing. Variants that disrupt the donor or acceptor splice site typically lead to a loss of protein function (PMID: 16199547), and loss-of-function variants in MTRR are known to be pathogenic (PMID: 15714522). This variant is not present in population databases (gnomAD no frequency). This variant has not been reported in the literature in individuals affected with MTRR-related conditions. Algorithms developed to predict the effect of sequence changes on RNA splicing suggest that this variant may disrupt the consensus splice site. In summary, the currently available evidence indicates that the variant is pathogenic, but additional data are needed to prove that conclusively. Therefore, this variant has been classified as Likely Pathogenic.

Literature cited by the submitters: PubMed 16199547; PubMed 15714522.